The following is an entry in ClinVar:

NM_001205293.3(CACNA1E):c.5827C>T (p.Pro1943Ser)

Gene: CACNA1E (calcium voltage-gated channel subunit alpha1 E; plus strand). Cytogenetic location: 1q25.3.
Variant type: single nucleotide variant.
Coding change: c.5827C>T on transcript NM_001205293.3 (MANE Select); coding-DNA position 5827, C replaced by T.
Protein change: p.Pro1943Ser; replaces proline 1943 with serine.
Molecular consequence: missense variant.
Genome position (GRCh38, 1-based): chr1:181,790,485, C>T. VCF-style: chr1-181790485-C-T. GRCh37 (hg19) VCF-style: chr1-181759621-C-T.
Other names: c.5827C>T (NM_000721.3); c.5827C>T, p.Pro1943Ser (NM_000721.4); c.5770C>T, p.Pro1924Ser (NM_001205294.2); short protein forms P1924S, P1943S.
Identifiers: ClinVar variation 1620197 (VCV001620197.9), dbSNP rs549170593, ClinGen allele CA1276215.

ClinVar aggregate classification (germline): Conflicting classifications of pathogenicity. Review status: criteria provided, conflicting classifications (1 of 4 stars). 2 submissions from 2 submitters: Uncertain significance (1); Benign (1). Last evaluated 2025-12-03.

Conditions:
CACNA1E-related disorder. Also called: CACNA1E-related condition.

Allele frequency attached by ClinVar (database versions not stated): gnomAD 0.00001; TOPMed 0.00001; gnomAD exomes 0.00002; ExAC 0.00004; 1000 Genomes Project 0.00020; 1000 Genomes Project 30x 0.00031.
gnomAD v4.1: 25 of 1,613,470 alleles (0.0015%); highest among the groups gnomAD compares: Non-Finnish European, 0.002%; no homozygotes.

Submissions (2):

Labcorp Genetics (formerly Invitae), Labcorp
Classification: Benign. Last evaluated: 2025-12-03. Review status: criteria provided, single submitter. Criteria: Invitae Variant Classification Sherloc (09022015). Collection method: clinical testing. Allele origin: germline.

PreventionGenetics, part of Exact Sciences
Classification: Uncertain significance for CACNA1E-related condition. Last evaluated: 2025-10-06. Review status: criteria provided, single submitter. Criteria: ACMG Guidelines, 2015. Collection method: clinical testing. Allele origin: germline.
Comment: The CACNA1E c.5827C>T variant is predicted to result in the amino acid substitution p.Pro1943Ser. To our knowledge, this variant has not been reported in the literature. This variant is reported in 0.0035% of alleles in individuals of European (Non-Finnish) descent in gnomAD. At this time, the clinical significance of this variant is uncertain due to the absence of conclusive functional and genetic evidence.